The following is an entry in ClinVar:

NM_020822.3(KCNT1):c.1725C>T (p.Tyr575=)

Gene: KCNT1 (potassium sodium-activated channel subfamily T member 1; plus strand). Cytogenetic location: 9q34.3.
Variant type: single nucleotide variant.
Coding change: c.1725C>T on transcript NM_020822.3 (MANE Select); coding-DNA position 1725, C replaced by T.
Protein change: p.Tyr575=; no amino-acid change (tyrosine 575 retained).
Molecular consequence: synonymous variant.
Genome position (GRCh38, 1-based): chr9:135,770,403, C>T. VCF-style: chr9-135770403-C-T. GRCh37 (hg19) VCF-style: chr9-138662249-C-T.
Other names: c.1590C>T, p.Tyr530= (NM_001272003.2).
Identifiers: ClinVar variation 386463 (VCV000386463.38), dbSNP rs373520472, ClinGen allele CA5327041.
Genomic context (GRCh38, chr9:135,770,403, plus strand): 5'-CTGCTCCGGCAACGAGGTGTACCACATCCGCATGGGTGACAGCAAGTTCTTCCGCGAGTA[C>T]GAGGGCAAGAGCTTCACCTACGCGGCCTTCCACGCCCACAAGAAGTAAGGCCGGGCTGCA-3'
Protein context (NP_065873.2, residues 565-585): RMGDSKFFRE[Tyr575=]EGKSFTYAAF

ClinVar aggregate classification (germline): Likely benign. Review status: criteria provided, multiple submitters, no conflicts (2 of 4 stars). 7 submissions from 6 submitters: Likely benign (7). Last evaluated 2025-11-27.

Conditions:
Inborn genetic diseases. Identifiers: MedGen C0950123, MeSH D030342.
Autosomal dominant nocturnal frontal lobe epilepsy 5. Also called: CILIARY DYSKINESIA, PRIMARY, 28, WITHOUT SITUS INVERSUS; CILIARY DYSKINESIA, PRIMARY, 28, WITH SITUS INVERSUS; KCNT1-Related Epilepsy; Epilepsy, nocturnal frontal lobe, 5. Identifiers: Orphanet 98784, MedGen C3554306, MONDO:0014002, OMIM 615005.
Developmental and epileptic encephalopathy, 14 (DEE14). Also called: Early infantile epileptic encephalopathy 14. Identifiers: Orphanet 293181, MedGen C3554195, MONDO:0013989, OMIM 614959.

Allele frequency attached by ClinVar (database versions not stated): TOPMed 0.00007; ESP Exome Variant Server 0.00008; gnomAD 0.00008 and 0.00010; ExAC 0.00015; gnomAD exomes 0.00015.
gnomAD v4.1: 202 of 1,613,058 alleles (0.013%); highest among the groups gnomAD compares: Middle Eastern, 0.099%; no homozygotes.

Submissions (7):

Labcorp Genetics (formerly Invitae), Labcorp
Classification: Likely benign for Autosomal dominant nocturnal frontal lobe epilepsy 5; Developmental and epileptic encephalopathy, 14. Last evaluated: 2025-11-27. Review status: criteria provided, single submitter. Criteria: Invitae Variant Classification Sherloc (09022015). Collection method: clinical testing. Allele origin: germline.

CeGaT Center for Human Genetics Tuebingen
Classification: Likely benign. Last evaluated: 2025-04-01. Review status: criteria provided, single submitter. Criteria: CeGaT Center For Human Genetics Tuebingen Variant Classification Criteria Version 2. Collection method: clinical testing. Allele origin: germline. Affected: yes. Observed: 2 variant alleles.
Comment: KCNT1: BP4, BP7

Blueprint Genetics
Classification: Likely benign. Last evaluated: 2024-11-13. Review status: criteria provided, single submitter. Criteria: ACMG Guidelines, 2015. Collection method: clinical testing. Allele origin: germline.

Genome-Nilou Lab
Classification: Likely benign for Developmental and epileptic encephalopathy, 14. Last evaluated: 2022-03-15. Review status: criteria provided, single submitter. Criteria: ACMG Guidelines, 2015. Collection method: clinical testing. Allele origin: germline. Affected: no.

Genome-Nilou Lab
Classification: Likely benign for Autosomal dominant nocturnal frontal lobe epilepsy 5. Last evaluated: 2022-03-15. Review status: criteria provided, single submitter. Criteria: ACMG Guidelines, 2015. Collection method: clinical testing. Allele origin: germline. Affected: no.

Ambry Genetics
Classification: Likely benign for Inborn genetic diseases. Last evaluated: 2017-12-22. Review status: criteria provided, single submitter. Criteria: Ambry Variant Classification Scheme 2023. Collection method: clinical testing. Allele origin: germline.

GeneDx
Classification: Likely benign. Last evaluated: 2017-08-31. Review status: criteria provided, single submitter. Criteria: GeneDx Variant Classification (06012015). Collection method: clinical testing. Allele origin: germline. Affected: yes.
Comment: This variant is considered likely benign or benign based on one or more of the following criteria: it is a conservative change, it occurs at a poorly conserved position in the protein, it is predicted to be benign by multiple in silico algorithms, and/or has population frequency not consistent with disease.